The following is an entry in ClinVar:

NM_003597.5(KLF11):c.1423C>A (p.Arg475Ser)

Gene: KLF11 (KLF transcription factor 11; plus strand). Cytogenetic location: 2p25.1.
Variant type: single nucleotide variant.
Coding change: c.1423C>A on transcript NM_003597.5 (MANE Select); coding-DNA position 1423, C replaced by A.
Protein change: p.Arg475Ser; replaces arginine 475 with serine.
Molecular consequence: missense variant.
Genome position (GRCh38, 1-based): chr2:10,052,391, C>A. VCF-style: chr2-10052391-C-A. GRCh37 (hg19) VCF-style: chr2-10192518-C-A.
Other names: c.1372C>A, p.Arg458Ser (NM_001177716.2, NM_001177718.2); short protein forms R458S, R475S.
Identifiers: ClinVar variation 4711966 (VCV004711966.1).

ClinVar aggregate classification (germline): Uncertain significance (1 of 4 stars; one submission).

gnomAD v4.1: 2 of 1,613,986 alleles (0.00012%); highest among the groups gnomAD compares: Admixed American, 0.0033%; no homozygotes.

Submission:

Labcorp Genetics (formerly Invitae), Labcorp
Classification: Uncertain significance. Last evaluated: 2025-03-26. Review status: criteria provided, single submitter. Criteria: Invitae Variant Classification Sherloc (09022015). Collection method: clinical testing. Allele origin: germline.
Comment: This sequence change replaces arginine, which is basic and polar, with serine, which is neutral and polar, at codon 475 of the KLF11 protein (p.Arg475Ser). This variant is present in population databases (rs773276131, gnomAD 0.003%). This variant has not been reported in the literature in individuals affected with KLF11-related conditions. An algorithm developed to predict the effect of missense changes on protein structure and function (PolyPhen-2) suggests that this variant is likely to be disruptive. In summary, the available evidence is currently insufficient to determine the role of this variant in disease. Therefore, it has been classified as a Variant of Uncertain Significance.